The following is an entry in ClinVar:

NM_005476.7(GNE):c.608T>A (p.Met203Lys)

Gene: GNE (glucosamine (UDP-N-acetyl)-2-epimerase/N-acetylmannosamine kinase; minus strand). Cytogenetic location: 9p13.3.
Variant type: single nucleotide variant.
Coding change: c.608T>A on transcript NM_005476.7 (MANE Select); coding-DNA position 608, T replaced by A.
Protein change: p.Met203Lys; replaces methionine 203 with lysine.
Molecular consequence: missense variant.
Genome position (GRCh38, 1-based): chr9:36,246,039, A>T on the plus strand (T>A on the coding strand, the complement: GNE is on the minus strand). VCF-style: chr9-36246039-A-T. GRCh37 (hg19) VCF-style: chr9-36246036-A-T.
Other names: c.701T>A, p.Met234Lys (NM_001128227.3); c.608T>A, p.Met203Lys (NM_001190383.3, NM_001374797.1); c.431T>A, p.Met144Lys (NM_001190384.3, NM_001190388.2, NM_001374798.1); short protein forms M144K, M203K, M234K.
Identifiers: ClinVar variation 4794995 (VCV004794995.1).

ClinVar aggregate classification (germline): Uncertain significance (1 of 4 stars; one submission).

Conditions:
Sialuria. Also called: SIALURIA, FRENCH TYPE; Sialic Acid Storage Disease. Identifiers: Orphanet 3166, MedGen C0342853, MONDO:0010028, OMIM 269921.
GNE myopathy (NM). Also called: NONAKA DISTAL MYOPATHY; INCLUSION BODY MYOPATHY, HEREDITARY, AUTOSOMAL RECESSIVE; INCLUSION BODY MYOPATHY 2, AUTOSOMAL RECESSIVE; MYOPATHY, DISTAL, WITH OR WITHOUT RIMMED VACUOLES; Inclusion body myopathy autosomal recessive; Inclusion body myopathy quadriceps sparing. Identifiers: Orphanet 602, MedGen C1853926, MONDO:0011603, OMIM 605820.

gnomAD v4.1: 2 of 1,613,582 alleles (0.00012%); highest among the groups gnomAD compares: Non-Finnish European, 0.00017%; no homozygotes.

Submission:

Labcorp Genetics (formerly Invitae), Labcorp
Classification: Uncertain significance for Sialuria; GNE myopathy. Last evaluated: 2026-01-27. Review status: criteria provided, single submitter. Criteria: Invitae Variant Classification Sherloc (09022015). Collection method: clinical testing. Allele origin: germline.
Comment: This sequence change replaces methionine, which is neutral and non-polar, with lysine, which is basic and polar, at codon 234 of the GNE protein (p.Met234Lys). This variant is present in population databases (rs767519361, gnomAD 0.0009%). This variant has not been reported in the literature in individuals affected with GNE-related conditions. Invitae Evidence Modeling of protein sequence and biophysical properties (such as structural, functional, and spatial information, amino acid conservation, physicochemical variation, residue mobility, and thermodynamic stability) has been performed for this missense variant. However, the output from this modeling did not meet the statistical confidence thresholds required to predict the impact of this variant on GNE protein function. In summary, the available evidence is currently insufficient to determine the role of this variant in disease. Therefore, it has been classified as a Variant of Uncertain Significance.